The following is an entry in ClinVar:

ClinVar aggregate classification (germline): Likely benign. Review status: criteria provided, single submitter (1 of 4 stars). 2 submissions from 2 submitters: Likely benign (1). 1 of the submissions does not count toward it. Last evaluated 2025-03-17.

Conditions:
TBX3-related disorder. Also called: TBX3-related condition.
Ulnar-mammary syndrome (UMS). Also called: Ulnar-mammary syndrome of Pallister; PALLISTER ULNAR-MAMMARY SYNDROME; SCHINZEL SYNDROME. Identifiers: Orphanet 3138, MedGen C1866994, MONDO:0008411, OMIM 181450.

Allele frequency attached by ClinVar (database versions not stated): gnomAD exomes 0.00001; ExAC 0.00002; TOPMed 0.00003; ESP Exome Variant Server 0.00015.
gnomAD v4.1: 18 of 1,614,190 alleles (0.0011%); highest among the groups gnomAD compares: Admixed American, 0.013%; no homozygotes.

Submissions (2):

Labcorp Genetics (formerly Invitae), Labcorp
Classification: Likely benign for Ulnar-mammary syndrome. Last evaluated: 2025-03-17. Review status: criteria provided, single submitter. Criteria: Invitae Variant Classification Sherloc (09022015). Collection method: clinical testing. Allele origin: germline.

PreventionGenetics, part of Exact Sciences
Classification: Likely benign for TBX3-related condition. Last evaluated: 2022-02-23. Review status: no assertion criteria provided. Collection method: clinical testing. Allele origin: germline. Not counted in ClinVar's aggregate classification.
Comment: This variant is classified as likely benign based on ACMG/AMP sequence variant interpretation guidelines (Richards et al. 2015 PMID: 25741868, with internal and published modifications).

NM_005996.4(TBX3):c.987C>T (p.Phe329=)

Gene: TBX3 (T-box transcription factor 3; minus strand). Cytogenetic location: 12q24.21.
Variant type: single nucleotide variant.
Coding change: c.987C>T on transcript NM_005996.4 (MANE Select); coding-DNA position 987, C replaced by T.
Protein change: p.Phe329=; no amino-acid change (phenylalanine 329 retained).
Molecular consequence: synonymous variant.
Genome position (GRCh38, 1-based): chr12:114,676,365, G>A on the plus strand (C>T on the coding strand, the complement: TBX3 is on the minus strand). VCF-style: chr12-114676365-G-A. GRCh37 (hg19) VCF-style: chr12-115114170-G-A.
Other names: c.1047C>T (NM_016569.3); c.1047C>T, p.Phe349= (NM_016569.4).
Identifiers: ClinVar variation 2065909 (VCV002065909.6), dbSNP rs367844041, ClinGen allele CA6810041.